The following is an entry in ClinVar:

NM_000552.5(VWF):c.2098G>T (p.Asp700Tyr)

Gene: VWF (von Willebrand factor; minus strand). Cytogenetic location: 12p13.31.
Variant type: single nucleotide variant.
Coding change: c.2098G>T on transcript NM_000552.5 (MANE Select); coding-DNA position 2098, G replaced by T.
Protein change: p.Asp700Tyr; replaces aspartic acid 700 with tyrosine.
Molecular consequence: missense variant.
Genome position (GRCh38, 1-based): chr12:6,052,631, C>A on the plus strand (G>T on the coding strand, the complement: VWF is on the minus strand). VCF-style: chr12-6052631-C-A. GRCh37 (hg19) VCF-style: chr12-6161797-C-A.
Other names: short protein forms D700Y.
Identifiers: ClinVar variation 811373 (VCV000811373.8), dbSNP rs377672051, ClinGen allele CA6403177.

ClinVar aggregate classification (germline): Uncertain significance (1 of 4 stars; one submission).

Submission:

ARUP Laboratories, Molecular Genetics and Genomics, ARUP Laboratories
Classification: Uncertain significance. Last evaluated: 2019-03-26. Review status: criteria provided, single submitter. Criteria: ARUP Molecular Germline Variant Investigation Process. Collection method: clinical testing. Allele origin: germline.
Comment: The VWF c.2098G>T; p.Asp700Tyr variant (rs377672051), to our knowledge, is not reported in the medical literature or gene-specific databases. This variant is found on only six chromosomes (6/282846 alleles) in the Genome Aggregation Database. The aspartate at codon 700 is moderately conserved, but computational analyses (SIFT: damaging, PolyPhen-2: benign) predict conflicting effects of this variant on protein structure/function. Given the lack of clinical and functional data, the significance of the p.Asp700Tyr variant is uncertain at this time.